The following is an entry in ClinVar:

NM_016239.4(MYO15A):c.8441G>A (p.Arg2814Gln)

Gene: MYO15A (myosin XVA; plus strand). Cytogenetic location: 17p11.2.
Variant type: single nucleotide variant.
Coding change: c.8441G>A on transcript NM_016239.4 (MANE Select); coding-DNA position 8441, G replaced by A.
Protein change: p.Arg2814Gln; replaces arginine 2814 with glutamine.
Molecular consequence: missense variant.
Genome position (GRCh38, 1-based): chr17:18,155,414, G>A. VCF-style: chr17-18155414-G-A. GRCh37 (hg19) VCF-style: chr17-18058728-G-A.
Other names: short protein forms R2814Q.
Identifiers: ClinVar variation 709596 (VCV000709596.11), dbSNP rs148595690, ClinGen allele CA8425163.

ClinVar aggregate classification (germline): Likely benign. Review status: criteria provided, multiple submitters, no conflicts (2 of 4 stars). 4 submissions from 4 submitters: Likely benign (4). Last evaluated 2026-01-25.

Conditions:
MYO15A-related disorder. Also called: MYO15A-related condition.

Allele frequency attached by ClinVar (database versions not stated): gnomAD exomes 0.00011 and 0.00027; ExAC 0.00034; gnomAD 0.00098 and 0.00108; 1000 Genomes Project 0.00100; TOPMed 0.00105; 1000 Genomes Project 30x 0.00109; ESP Exome Variant Server 0.00150.
gnomAD v4.1: 313 of 1,613,338 alleles (0.019%); highest among the groups gnomAD compares: African/African-American, 0.37%; no homozygotes.

Submissions (4):

Labcorp Genetics (formerly Invitae), Labcorp
Classification: Likely benign. Last evaluated: 2026-01-25. Review status: criteria provided, single submitter. Criteria: Invitae Variant Classification Sherloc (09022015). Collection method: clinical testing. Allele origin: germline.

PreventionGenetics, part of Exact Sciences
Classification: Likely benign for MYO15A-related condition. Last evaluated: 2024-10-17. Review status: criteria provided, single submitter. Criteria: ACMG Guidelines, 2015. Collection method: clinical testing. Allele origin: germline.
Comment: This variant is classified as likely benign based on ACMG/AMP sequence variant interpretation guidelines (Richards et al. 2015 PMID: 25741868, with internal and published modifications).

Blueprint Genetics
Classification: Likely benign. Last evaluated: 2024-04-08. Review status: criteria provided, single submitter. Criteria: ACMG Guidelines, 2015. Collection method: clinical testing. Allele origin: germline.

Breakthrough Genomics
Classification: Likely benign. Review status: criteria provided, single submitter. Criteria: ACMG Guidelines, 2015. Collection method: not provided. Allele origin: germline. Inheritance: Autosomal recessive inheritance. Affected: yes.